The following is an entry in ClinVar:

ClinVar aggregate classification (germline): Uncertain significance. Review status: criteria provided, multiple submitters, no conflicts (2 of 4 stars). 3 submissions from 3 submitters: Uncertain significance (3). Last evaluated 2024-11-24.

Conditions:
Holoprosencephaly 9 (HPE9). Also called: PITUITARY ANOMALIES WITH HOLOPROSENCEPHALY-LIKE FEATURES; HOLOPROSENCEPHALY WITH MICROPHTHALMIA AND FIRST BRANCHIAL ARCH ANOMALIES. Identifiers: Orphanet 2162, MedGen C1835819, MONDO:0012563, OMIM 610829.
Postaxial polydactyly-anterior pituitary anomalies-facial dysmorphism syndrome. Also called: Culler-Jones syndrome. Identifiers: Orphanet 420584, MedGen C4014479, MONDO:0014369, OMIM 615849.
Inborn genetic diseases. Identifiers: MedGen C0950123, MeSH D030342.

Allele frequency attached by ClinVar (database versions not stated): gnomAD exomes 0.00001; gnomAD 0.00003; TOPMed 0.00005.
gnomAD v4.1: 18 of 1,613,698 alleles (0.0011%); highest among the groups gnomAD compares: Admixed American, 0.0033%; no homozygotes.

Submissions (3):

Ambry Genetics
Classification: Uncertain significance for Inborn genetic diseases. Last evaluated: 2024-11-24. Review status: criteria provided, single submitter. Criteria: Ambry Variant Classification Scheme 2023. Collection method: clinical testing. Allele origin: germline.

Women's Health and Genetics/Laboratory Corporation of America, LabCorp
Classification: Uncertain significance. Last evaluated: 2024-08-07. Review status: criteria provided, single submitter. Criteria: LabCorp Variant Classification Summary - May 2015. Collection method: clinical testing. Allele origin: germline.
Comment: Variant summary: GLI2 c.140C>T (p.Ala47Val) results in a non-conservative amino acid change in the encoded protein sequence. Three of five in-silico tools predict a benign effect of the variant on protein function. The variant was absent in 250466 control chromosomes. The available data on variant occurrences in the general population are insufficient to allow any conclusion about variant significance. To our knowledge, no occurrence of c.140C>T in individuals affected with GLI2-Related Disorders and no experimental evidence demonstrating its impact on protein function have been reported. ClinVar contains an entry for this variant (Variation ID: 2202384). Based on the evidence outlined above, the variant was classified as uncertain significance.

Labcorp Genetics (formerly Invitae), Labcorp
Classification: Uncertain significance for Postaxial polydactyly-anterior pituitary anomalies-facial dysmorphism syndrome; Holoprosencephaly 9. Last evaluated: 2022-07-28. Review status: criteria provided, single submitter. Criteria: Invitae Variant Classification Sherloc (09022015). Collection method: clinical testing. Allele origin: germline.
Comment: In summary, the available evidence is currently insufficient to determine the role of this variant in disease. Therefore, it has been classified as a Variant of Uncertain Significance. Algorithms developed to predict the effect of missense changes on protein structure and function (SIFT, PolyPhen-2, Align-GVGD) all suggest that this variant is likely to be tolerated. This variant has not been reported in the literature in individuals affected with GLI2-related conditions. This variant is not present in population databases (gnomAD no frequency). This sequence change replaces alanine, which is neutral and non-polar, with valine, which is neutral and non-polar, at codon 47 of the GLI2 protein (p.Ala47Val).

NM_001374353.1(GLI2):c.140C>T (p.Ala47Val)

Gene: GLI2 (GLI family zinc finger 2; plus strand). Cytogenetic location: 2q14.2.
Variant type: single nucleotide variant.
Coding change: c.140C>T on transcript NM_001374353.1 (MANE Select); coding-DNA position 140, C replaced by T.
Protein change: p.Ala47Val; replaces alanine 47 with valine.
Molecular consequence: missense variant. On other transcripts: 5 prime UTR variant (1).
Genome position (GRCh38, 1-based): chr2:120,797,460, C>T. VCF-style: chr2-120797460-C-T. GRCh37 (hg19) VCF-style: chr2-121555036-C-T.
Other names: c.140C>T (NM_005270.4); c.140C>T, p.Ala47Val (NM_001371271.1, NM_005270.5); c.-130C>T (NM_001374354.1); short protein forms A47V.
Identifiers: ClinVar variation 2202384 (VCV002202384.6), dbSNP rs990168694, ClinGen allele CA54758641.
Genomic context (GRCh38, chr2:120,797,460, plus strand): 5'-ACCCGGGTAAAAAGGCCTCTCCTTTGGTGGTGGCTGCAGCGGCAGCAGCAGCGGTAGCTG[C>T]CCAAGGAGGTACTTTCTGTTTCGCACACTTGGAGGGCAGCAGGGGTGTTTTTCATTAGCC-3'
Protein context (NP_001361282.1, residues 37-57): VAAAAAAAVA[Ala47Val]QGVPQHLLPP